The following is an entry in ClinVar:

ClinVar aggregate classification (germline): Likely pathogenic (1 of 4 stars; one submission).

Conditions:
Peroxisome biogenesis disorder. Identifiers: Orphanet 79189, MedGen C1832200, MONDO:0019234. Disease mechanism: loss of function.

Submission:

Labcorp Genetics (formerly Invitae), Labcorp
Classification: Likely pathogenic for Peroxisome biogenesis disorder. Last evaluated: 2026-01-09. Review status: criteria provided, single submitter. Criteria: Invitae Variant Classification Sherloc (09022015). Collection method: clinical testing. Allele origin: germline.
Comment: This sequence change affects a donor splice site in intron 4 of the PEX16 gene. It is expected to disrupt RNA splicing. Variants that disrupt the donor or acceptor splice site typically lead to a loss of protein function (PMID: 16199547), and loss-of-function variants in PEX16 are known to be pathogenic (PMID: 9837814, 11890679, 20647552, 20681997). This variant is not present in population databases (gnomAD no frequency). This variant has not been reported in the literature in individuals affected with PEX16-related conditions. Algorithms developed to predict the effect of sequence changes on RNA splicing suggest that this variant may disrupt the consensus splice site. In summary, the currently available evidence indicates that the variant is pathogenic, but additional data are needed to prove that conclusively. Therefore, this variant has been classified as Likely Pathogenic.

Literature cited by the submitters: PubMed 16199547; PubMed 9837814; PubMed 11890679; PubMed 20647552; PubMed 20681997.

NM_004813.4(PEX16):c.359+2T>G

Gene: PEX16 (peroxisomal biogenesis factor 16; minus strand). Cytogenetic location: 11p11.2.
Variant type: single nucleotide variant.
Coding change: c.359+2T>G on transcript NM_004813.4 (MANE Select); the canonical splice donor site of the intron after coding-DNA position 359, T replaced by G.
Molecular consequence: splice donor variant.
Genome position (GRCh38, 1-based): chr11:45,915,701, A>C on the plus strand (T>G on the coding strand, the complement: PEX16 is on the minus strand). VCF-style: chr11-45915701-A-C. GRCh37 (hg19) VCF-style: chr11-45937252-A-C.
Other names: c.359+2T>G (NM_057174.3).
Identifiers: ClinVar variation 4734974 (VCV004734974.1).